The following is an entry in ClinVar:

NM_006796.3(AFG3L2):c.839G>A (p.Arg280Gln)

Gene: AFG3L2 (AFG3 like matrix AAA peptidase subunit 2; minus strand). Cytogenetic location: 18p11.21.
Variant type: single nucleotide variant.
Coding change: c.839G>A on transcript NM_006796.3 (MANE Select); coding-DNA position 839, G replaced by A.
Protein change: p.Arg280Gln; replaces arginine 280 with glutamine.
Molecular consequence: missense variant.
Genome position (GRCh38, 1-based): chr18:12,358,857, C>T on the plus strand (G>A on the coding strand, the complement: AFG3L2 is on the minus strand). VCF-style: chr18-12358857-C-T. GRCh37 (hg19) VCF-style: chr18-12358856-C-T.
Other names: short protein forms R280Q.
Identifiers: ClinVar variation 3383751 (VCV003383751.1).

ClinVar aggregate classification (germline): Uncertain significance (1 of 4 stars; one submission).

gnomAD v4.1: 3 of 1,614,232 alleles (0.00019%); highest among the groups gnomAD compares: Non-Finnish European, 0.00025%; no homozygotes.

Submission:

GeneDx
Classification: Uncertain significance. Last evaluated: 2024-05-30. Review status: criteria provided, single submitter. Criteria: GeneDx Variant Classification Process June 2021. Collection method: clinical testing. Allele origin: germline. Affected: yes.
Comment: Not observed at significant frequency in large population cohorts (gnomAD); In silico analysis indicates that this missense variant does not alter protein structure/function; Has not been previously published as pathogenic or benign to our knowledge